The following is an entry in ClinVar:

NM_022168.4(IFIH1):c.1981G>A (p.Asp661Asn)

Gene: IFIH1 (interferon induced with helicase C domain 1; minus strand). Cytogenetic location: 2q24.2.
Variant type: single nucleotide variant.
Coding change: c.1981G>A on transcript NM_022168.4 (MANE Select); coding-DNA position 1981, G replaced by A.
Protein change: p.Asp661Asn; replaces aspartic acid 661 with asparagine.
Molecular consequence: missense variant.
Genome position (GRCh38, 1-based): chr2:162,277,478, C>T on the plus strand (G>A on the coding strand, the complement: IFIH1 is on the minus strand). VCF-style: chr2-162277478-C-T. GRCh37 (hg19) VCF-style: chr2-163133988-C-T.
Other names: short protein forms D661N.
Identifiers: ClinVar variation 1060663 (VCV001060663.9), dbSNP rs2105197482, ClinGen allele CA348998699.

ClinVar aggregate classification (germline): Uncertain significance (1 of 4 stars; one submission).

Conditions:
Singleton-Merten syndrome 1 (SGMRT1). Also called: Widened medullary cavities of bone, aortic calcification, abnormal dentition, and muscular weakness; Syndrome of widened medullary cavities of the metacarpals and phalanges, aortic calcification and abnormal dentition. Identifiers: Orphanet 85191, MedGen C4225427, MONDO:0024535, OMIM 182250.
Aicardi-Goutieres syndrome 7 (AGS7). Identifiers: Orphanet 51, MedGen C3888244, MONDO:0014367, OMIM 615846.

gnomAD v4.1: 1 of 1,605,760 alleles (0.000062%); highest among the groups gnomAD compares: Non-Finnish European, 0.000085%; no homozygotes.

Submission:

Labcorp Genetics (formerly Invitae), Labcorp
Classification: Uncertain significance for Aicardi-Goutieres syndrome 7; Singleton-Merten syndrome 1. Last evaluated: 2020-10-20. Review status: criteria provided, single submitter. Criteria: Invitae Variant Classification Sherloc (09022015). Collection method: clinical testing. Allele origin: germline.
Comment: In summary, the available evidence is currently insufficient to determine the role of this variant in disease. Therefore, it has been classified as a Variant of Uncertain Significance. Algorithms developed to predict the effect of missense changes on protein structure and function output the following: SIFT: "Tolerated"; PolyPhen-2: "Benign"; Align-GVGD: "Class C0". The asparagine amino acid residue is found in multiple mammalian species, suggesting that this missense change does not adversely affect protein function. These predictions have not been confirmed by published functional studies and their clinical significance is uncertain. This variant has not been reported in the literature in individuals with IFIH1-related conditions. This variant is not present in population databases (ExAC no frequency). This sequence change replaces aspartic acid with asparagine at codon 661 of the IFIH1 protein (p.Asp661Asn). The aspartic acid residue is weakly conserved and there is a small physicochemical difference between aspartic acid and asparagine.